The following is an entry in ClinVar:

NM_004612.4(TGFBR1):c.1063G>C (p.Ala355Pro)

Gene: TGFBR1 (transforming growth factor beta receptor 1; plus strand). Cytogenetic location: 9q22.33.
Variant type: single nucleotide variant.
Coding change: c.1063G>C on transcript NM_004612.4 (MANE Select); coding-DNA position 1063, G replaced by C.
Protein change: p.Ala355Pro; replaces alanine 355 with proline.
Molecular consequence: missense variant.
Genome position (GRCh38, 1-based): chr9:99,144,821, G>C. VCF-style: chr9-99144821-G-C. GRCh37 (hg19) VCF-style: chr9-101907103-G-C.
Other names: c.832G>C, p.Ala278Pro (NM_001130916.3, NM_001407435.1); c.1075G>C, p.Ala359Pro (NM_001306210.2); c.907G>C, p.Ala303Pro (NM_001407416.1); c.895G>C, p.Ala299Pro (NM_001407417.1); c.868G>C, p.Ala290Pro (NM_001407418.1, NM_001407419.1, NM_001407420.1 and 1 more transcripts); c.856G>C, p.Ala286Pro (NM_001407423.1, NM_001407424.1, NM_001407425.1 and 8 more transcripts); c.817G>C, p.Ala273Pro (NM_001407436.1); c.355G>C, p.Ala119Pro (NM_001407437.1); and 1 more; short protein forms A286P, A355P, A359P, A278P, A290P, A299P, A119P, A196P.
Identifiers: ClinVar variation 2084564 (VCV002084564.4), dbSNP rs2118805827, ClinGen allele CA374231504.

ClinVar aggregate classification (germline): Uncertain significance (1 of 4 stars; one submission).

Conditions:
Familial thoracic aortic aneurysm and aortic dissection (TAAD). Also called: Thoracic aortic aneurysms and dissections. Identifiers: Orphanet 91387, MedGen C4707243, MONDO:0019625.

Submission:

Labcorp Genetics (formerly Invitae), Labcorp
Classification: Uncertain significance for Familial thoracic aortic aneurysm and aortic dissection. Last evaluated: 2022-01-15. Review status: criteria provided, single submitter. Criteria: Invitae Variant Classification Sherloc (09022015). Collection method: clinical testing. Allele origin: germline.
Comment: In summary, the available evidence is currently insufficient to determine the role of this variant in disease. Therefore, it has been classified as a Variant of Uncertain Significance. Advanced modeling of protein sequence and biophysical properties (such as structural, functional, and spatial information, amino acid conservation, physicochemical variation, residue mobility, and thermodynamic stability) performed at Invitae indicates that this missense variant is expected to disrupt TGFBR1 protein function. This variant has not been reported in the literature in individuals affected with TGFBR1-related conditions. This variant is not present in population databases (gnomAD no frequency). This sequence change replaces alanine, which is neutral and non-polar, with proline, which is neutral and non-polar, at codon 355 of the TGFBR1 protein (p.Ala355Pro).